The following is an entry in ClinVar:

NM_000404.4(GLB1):c.467del (p.Ala156fs)

Gene: GLB1 (galactosidase beta 1; minus strand). Cytogenetic location: 3p22.3.
Variant type: Deletion.
Coding change: c.467del on transcript NM_000404.4 (MANE Select); coding-DNA position 467, one base deleted (C; older notation c.467delC).
Protein change: p.Ala156fs; shifts the reading frame from alanine 156.
Molecular consequence: frameshift variant.
Genome position (GRCh38, 1-based): chr3:33,065,548, G deleted on the plus strand (C on the coding strand, the reverse complement: GLB1 is on the minus strand). VCF-style (leftmost placement, unchanged base first): chr3-33065547-TG-T. GRCh37 (hg19) VCF-style: chr3-33107039-TG-T.
Other names: c.377del, p.Ala126fs (NM_001079811.3); c.255del, p.Ser86fs (NM_001135602.3); c.611del, p.Ala204fs (NM_001317040.2); c.467del, p.Ala156fs (NM_001393580.1); short protein forms A126fs, A156fs, A204fs, S86fs.
Identifiers: ClinVar variation 5011359 (VCV005011359.1).

ClinVar aggregate classification (germline): Pathogenic (1 of 4 stars; one submission).

Conditions:
GLB1-related disorder. Also called: GLB1-related disorders. Identifiers: MedGen CN377807.

Submission:

Myriad Genetics, Inc.
Classification: Pathogenic for GLB1-related disorder. Last evaluated: 2023-08-15. Review status: criteria provided, single submitter. Criteria: Myriad Autosomal Dominant, Autosomal Recessive and X-Linked Classification Criteria (2023). Collection method: clinical testing. Allele origin: unknown.
Comment: NM_000404.2(GLB1):c.467delC(A156Efs*14) is expected to be pathogenic in the context of GLB1-related disorders. This variant is predicted to lead to an abnormal or absent protein product due to the creation of a premature termination codon in GLB1, a gene where loss-of-function variants are known to be pathogenic. Please note: this variant was assessed in the context of healthy population screening.